The following is an entry in ClinVar:

NM_001048174.2(MUTYH):c.604C>G (p.Gln202Glu)

Gene: MUTYH (mutY DNA glycosylase; minus strand). Cytogenetic location: 1p34.1.
Variant type: single nucleotide variant.
Coding change: c.604C>G on transcript NM_001048174.2 (MANE Select); coding-DNA position 604, C replaced by G.
Protein change: p.Gln202Glu; replaces glutamine 202 with glutamic acid.
Molecular consequence: missense variant. On other transcripts: non-coding transcript variant (2).
Genome position (GRCh38, 1-based): chr1:45,332,576, G>C on the plus strand (C>G on the coding strand, the complement: MUTYH is on the minus strand). VCF-style: chr1-45332576-G-C. GRCh37 (hg19) VCF-style: chr1-45798248-G-C.
Other names: c.604C>G, p.Gln202Glu (NM_001048171.2, NM_001048173.2, NM_001293195.2); c.607C>G, p.Gln203Glu (NM_001048172.2); c.688C>G, p.Gln230Glu (NM_001128425.2); c.649C>G, p.Gln217Glu (NM_001293190.2); c.637C>G, p.Gln213Glu (NM_001293191.2); c.328C>G, p.Gln110Glu (NM_001293192.2, NM_001293196.2); c.259C>G, p.Gln87Glu (NM_001350650.2, NM_001350651.2); c.679C>G, p.Gln227Glu (NM_012222.3); short protein forms Q110E, Q202E, Q203E, Q213E, Q217E, Q227E, Q230E, Q87E.
Identifiers: ClinVar variation 1011718 (VCV001011718.9), dbSNP rs1064796630, ClinGen allele CA340135261.

ClinVar aggregate classification (germline): Uncertain significance. Review status: criteria provided, multiple submitters, no conflicts (2 of 4 stars). 2 submissions from 2 submitters: Uncertain significance (2). Last evaluated 2024-02-12.

Conditions:
Familial adenomatous polyposis 2. Also called: COLORECTAL ADENOMATOUS POLYPOSIS, AUTOSOMAL RECESSIVE; ADENOMAS, MULTIPLE COLORECTAL, AUTOSOMAL RECESSIVE; Adenomas, multiple colorectal; FAP type 2; MUTYH Polyposis; MUTYH-associated polyposis. Identifiers: Orphanet 220460, Orphanet 247798, MedGen C3272841, MONDO:0012041, OMIM 608456.

Submissions (2):

Baylor Genetics
Classification: Uncertain significance for Familial adenomatous polyposis 2. Last evaluated: 2024-02-12. Review status: criteria provided, single submitter. Criteria: ACMG Guidelines, 2015. Collection method: clinical testing. Allele origin: unknown.

Labcorp Genetics (formerly Invitae), Labcorp
Classification: Uncertain significance for Familial adenomatous polyposis 2. Last evaluated: 2020-06-07. Review status: criteria provided, single submitter. Criteria: Invitae Variant Classification Sherloc (09022015). Collection method: clinical testing. Allele origin: germline.
Comment: This variant has not been reported in the literature in individuals with MUTYH-related conditions. This variant is not present in population databases (ExAC no frequency). This sequence change replaces glutamine with glutamic acid at codon 230 of the MUTYH protein (p.Gln230Glu). The glutamine residue is highly conserved and there is a small physicochemical difference between glutamine and glutamic acid. Algorithms developed to predict the effect of missense changes on protein structure and function are either unavailable or do not agree on the potential impact of this missense change (SIFT: "Deleterious"; PolyPhen-2: "Benign"; Align-GVGD: "Class C25"). In summary, the available evidence is currently insufficient to determine the role of this variant in disease. Therefore, it has been classified as a Variant of Uncertain Significance.